The following is an entry in ClinVar:

NM_014208.3(DSPP):c.869A>T (p.Asp290Val)

Genes: DMP1-AS1 (DMP1 and DSPP antisense RNA 1; minus strand), DSPP (dentin sialophosphoprotein; plus strand). Cytogenetic location: 4q22.1.
Variant type: single nucleotide variant.
Coding change: c.869A>T on transcript NM_014208.3 (MANE Select); coding-DNA position 869, A replaced by T.
Protein change: p.Asp290Val; replaces aspartic acid 290 with valine.
Molecular consequence: missense variant.
Genome position (GRCh38, 1-based): chr4:87,613,055, A>T. VCF-style: chr4-87613055-A-T. GRCh37 (hg19) VCF-style: chr4-88534207-A-T.
Other names: short protein forms D290V.
Identifiers: ClinVar variation 1517832 (VCV001517832.8), dbSNP rs745598764, ClinGen allele CA3000968.
Genomic context (GRCh38, chr4:87,613,055, plus strand): 5'-GAAAAGACAGTAGTAATAACAGCAAGGGCCAGGAGGGCCAGGACCATGGGAAAGAAGATG[A>T]TCATGATAGTAGCATAGGTCAAAATTCAGATAGTAAAGAATATTATGACCCTGAAGGCAA-3'
Protein context (NP_055023.2, residues 280-300): QEGQDHGKED[Asp290Val]HDSSIGQNSD

ClinVar aggregate classification (germline): Uncertain significance (1 of 4 stars; one submission).

Allele frequency attached by ClinVar (database versions not stated): gnomAD 0.00001; gnomAD exomes 0.00002 and 0.00006; TOPMed 0.00002; ExAC 0.00009.

Submission:

Labcorp Genetics (formerly Invitae), Labcorp
Classification: Uncertain significance. Last evaluated: 2025-05-16. Review status: criteria provided, single submitter. Criteria: Invitae Variant Classification Sherloc (09022015). Collection method: clinical testing. Allele origin: germline.
Comment: This sequence change replaces aspartic acid, which is acidic and polar, with valine, which is neutral and non-polar, at codon 290 of the DSPP protein (p.Asp290Val). This variant is present in population databases (rs745598764, gnomAD 0.03%). This variant has not been reported in the literature in individuals affected with DSPP-related conditions. ClinVar contains an entry for this variant (Variation ID: 1517832). An algorithm developed to predict the effect of missense changes on protein structure and function (PolyPhen-2) suggests that this variant is likely to be disruptive. In summary, the available evidence is currently insufficient to determine the role of this variant in disease. Therefore, it has been classified as a Variant of Uncertain Significance.